The following is an entry in ClinVar:

ClinVar aggregate classification (germline): Likely pathogenic (1 of 4 stars; one submission).

Conditions:
X-linked Opitz G/BBB syndrome (GBBB). Also called: Opitz-Frias syndrome; OPITZ BBBG SYNDROME, TYPE I; OPITZ SYNDROME, X-LINKED; OPITZ-G SYNDROME, TYPE I; MID1-Related Opitz G/BBB Syndrome. Identifiers: Orphanet 2745, MedGen C2936904, MONDO:0010222, OMIM 300000.

Submission:

Laboratory of Medical Genetics, National & Kapodistrian University of Athens
Classification: Likely pathogenic for X-linked Opitz G/BBB syndrome. Last evaluated: 2022-10-04. Review status: criteria provided, single submitter. Criteria: ACMG Guidelines, 2015. Collection method: clinical testing. Allele origin: germline. Affected: yes.
Comment: PVS1, PM2

NM_000381.4(MID1):c.1688dup (p.Lys564fs)

Genes: MID1 (midline 1; minus strand), LOC126863207 (BRD4-independent group 4 enhancer GRCh37_chrX:10416979-10418178; plus strand). Cytogenetic location: Xp22.2.
Variant type: Duplication.
Coding change: c.1688dup on transcript NM_000381.4 (MANE Select); coding-DNA position 1688, one base duplicated (C; older notation c.1688dupC).
Protein change: p.Lys564fs; shifts the reading frame from lysine 564.
Molecular consequence: frameshift variant.
Genome position (GRCh38, 1-based): chrX:10,449,684, G duplicated on the plus strand (C on the coding strand, the reverse complement: MID1 is on the minus strand); the first of 4 consecutive G bases (chrX:10,449,684-10,449,687); duplicating any one gives the same sequence. VCF-style (leftmost placement, unchanged base first): chrX-10449683-C-CG. GRCh37 (hg19) VCF-style: chrX-10417723-C-CG.
Other names: c.1688dup, p.Lys564fs (NM_001098624.2, NM_001193277.1, NM_001347733.2 and 1 more transcripts); c.1574dup, p.Lys526fs (NM_033289.2); short protein forms K526fs, K564fs.
Identifiers: ClinVar variation 2572625 (VCV002572625.1), dbSNP rs2518960109, ClinGen allele CA2580615370.
Genomic context (GRCh38, chrX:10,449,683, plus strand): 5'-GTTATTGTTGCAGCGGCAGAGCGCCCAGGAAGCAGAGTTCTTCCCAATCCATTCATGCTT[C>CG]GGGGCTGATTTGTAAGCAAGACCAATGGCATACCTGCGGAAACAAAACAGCAACAACAAA-3'